The following is an entry in ClinVar:

ClinVar aggregate classification (germline): Pathogenic (1 of 4 stars; one submission).

Submission:

GeneDx
Classification: Pathogenic. Last evaluated: 2025-02-14. Review status: criteria provided, single submitter. Criteria: GeneDx Variant Classification Process June 2021. Collection method: clinical testing. Allele origin: germline. Affected: yes.
Comment: Nonsense variant predicted to result in protein truncation or nonsense mediated decay in a gene for which loss of function is a known mechanism of disease; Not observed at significant frequency in large population cohorts (gnomAD); Has not been previously published as pathogenic or benign to our knowledge

NM_001378418.1(TCF20):c.82G>T (p.Glu28Ter)

Gene: TCF20 (transcription factor 20; minus strand). Cytogenetic location: 22q13.2.
Variant type: single nucleotide variant.
Coding change: c.82G>T on transcript NM_001378418.1 (MANE Select); coding-DNA position 82, G replaced by T.
Protein change: p.Glu28Ter; replaces glutamic acid 28 with a stop codon.
Molecular consequence: nonsense.
Genome position (GRCh38, 1-based): chr22:42,215,224, C>A on the plus strand (G>T on the coding strand, the complement: TCF20 is on the minus strand). VCF-style: chr22-42215224-C-A. GRCh37 (hg19) VCF-style: chr22-42611230-C-A.
Other names: c.82G>T, p.Glu28Ter (NM_005650.4, NM_181492.3); short protein forms E28*.
Identifiers: ClinVar variation 4075495 (VCV004075495.1).